The following is an entry in ClinVar:

ClinVar aggregate classification (germline): Uncertain significance. Review status: criteria provided, single submitter (1 of 4 stars). 2 submissions from 2 submitters: Uncertain significance (1). 1 of the submissions does not count toward it. Last evaluated 2019-05-07.

Conditions:
IFT172-related disorder. Also called: IFT172-related condition; IFT172-related disorders.

Allele frequency attached by ClinVar (database versions not stated): TOPMed below 0.00001; gnomAD 0.00001.
gnomAD v4.1: 2 of 1,614,054 alleles (0.00012%); highest among the groups gnomAD compares: Non-Finnish European, 0.00017%; no homozygotes.

Submissions (2):

GeneDx
Classification: Uncertain significance. Last evaluated: 2019-05-07. Review status: criteria provided, single submitter. Criteria: GeneDx Variant Classification Process June 2021. Collection method: clinical testing. Allele origin: germline. Affected: yes.
Comment: Not observed in large population cohorts (Lek et al., 2016); In silico analysis, which includes protein predictors and evolutionary conservation, supports a deleterious effect; Has not been previously published as pathogenic or benign to our knowledge

PreventionGenetics, part of Exact Sciences
Classification: Uncertain significance for IFT172-related condition. Last evaluated: 2024-09-20. Review status: no assertion criteria provided. Collection method: clinical testing. Allele origin: germline. Not counted in ClinVar's aggregate classification.
Comment: The IFT172 c.3480G>T variant is predicted to result in the amino acid substitution p.Glu1160Asp. To our knowledge, this variant has not been reported in the literature or in a large population database, indicating this variant is rare. At this time, the clinical significance of this variant is uncertain due to the absence of conclusive functional and genetic evidence.

NM_015662.3(IFT172):c.3480G>T (p.Glu1160Asp)

Gene: IFT172 (intraflagellar transport 172; minus strand). Cytogenetic location: 2p23.3.
Variant type: single nucleotide variant.
Coding change: c.3480G>T on transcript NM_015662.3 (MANE Select); coding-DNA position 3480, G replaced by T.
Protein change: p.Glu1160Asp; replaces glutamic acid 1160 with aspartic acid.
Molecular consequence: missense variant.
Genome position (GRCh38, 1-based): chr2:27,454,404, C>A on the plus strand (G>T on the coding strand, the complement: IFT172 is on the minus strand). VCF-style: chr2-27454404-C-A. GRCh37 (hg19) VCF-style: chr2-27677271-C-A.
Other names: short protein forms E1160D.
Identifiers: ClinVar variation 1204431 (VCV001204431.4), dbSNP rs201940166, ClinGen allele CA44490753.